The following is an entry in ClinVar:

NM_015557.3(CHD5):c.1590+1G>T

Gene: CHD5 (chromodomain helicase DNA binding protein 5; minus strand). Cytogenetic location: 1p36.31.
Variant type: single nucleotide variant.
Coding change: c.1590+1G>T on transcript NM_015557.3 (MANE Select); the canonical splice donor site of the intron after coding-DNA position 1590, G replaced by T.
Molecular consequence: splice donor variant.
Genome position (GRCh38, 1-based): chr1:6,146,664, C>A on the plus strand (G>T on the coding strand, the complement: CHD5 is on the minus strand). VCF-style: chr1-6146664-C-A. GRCh37 (hg19) VCF-style: chr1-6206724-C-A.
Identifiers: ClinVar variation 3251189 (VCV003251189.18), dbSNP rs2525419467.
Genomic context (GRCh38, chr1:6,146,664, plus strand): 5'-AGGAGGGTCCAGGGCTCACCAGGTCCCGGGCCTTAGCACAGCCACCCTCCCGGGCACTCA[C>A]CTGTAGCTCCTTCACCCAGGAGCAATGCCAGTAGGACAGCCCTGCCCACTTGACAAAGAA-3'

ClinVar aggregate classification (germline): Likely pathogenic (1 of 4 stars; one submission).

Submission:

CeGaT Center for Human Genetics Tuebingen
Classification: Likely pathogenic. Last evaluated: 2024-06-01. Review status: criteria provided, single submitter. Criteria: CeGaT Center For Human Genetics Tuebingen Variant Classification Criteria Version 2. Collection method: clinical testing. Allele origin: germline. Affected: yes. Observed: 1 variant allele.
Comment: CHD5: PVS1:Strong, PM2, PS2:Moderate